The following is an entry in ClinVar:

NM_000434.4(NEU1):c.-40T>G

Gene: NEU1 (neuraminidase 1; minus strand). Cytogenetic location: 6p21.33.
Variant type: single nucleotide variant.
Coding change: c.-40T>G on transcript NM_000434.4 (MANE Select); 40 bases upstream of the start codon, T replaced by G.
Molecular consequence: 5 prime UTR variant.
Genome position (GRCh38, 1-based): chr6:31,862,816, A>C on the plus strand (T>G on the coding strand, the complement: NEU1 is on the minus strand). VCF-style: chr6-31862816-A-C. GRCh37 (hg19) VCF-style: chr6-31830593-A-C.
Identifiers: ClinVar variation 356237 (VCV000356237.5), dbSNP rs41267082, ClinGen allele CA3725134.

ClinVar aggregate classification (germline): Benign (1 of 4 stars; one submission).

Conditions:
Sialidosis type 2. Also called: NEURAMINIDASE DEFICIENCY; GLYCOPROTEIN NEURAMINIDASE DEFICIENCY; LIPOMUCOPOLYSACCHARIDOSIS; ML I; NEU DEFICIENCY; NEUG DEFICIENCY. Identifiers: Orphanet 812, Orphanet 87876, MedGen C4282398, MONDO:0009738, OMIM 256550.

Allele frequency attached by ClinVar (database versions not stated): ESP Exome Variant Server 0.02774; gnomAD 0.03529 and 0.03618; TOPMed 0.03762; 1000 Genomes Project 30x 0.04919; 1000 Genomes Project 0.05112.

Submission:

Illumina Laboratory Services, Illumina
Classification: Benign for Sialidosis type 2. Last evaluated: 2018-01-13. Review status: criteria provided, single submitter. Criteria: ICSL Variant Classification Criteria 13 December 2019. Collection method: clinical testing. Allele origin: germline.
Comment: This variant was observed in the ICSL laboratory as part of a predisposition screen in an ostensibly healthy population. It had not been previously curated by ICSL or reported in the Human Gene Mutation Database (HGMD: prior to June 1st, 2018), and was therefore a candidate for classification through an automated scoring system. Utilizing variant allele frequency, disease prevalence and penetrance estimates, and inheritance mode, an automated score was calculated to assess if this variant is too frequent to cause the disease. Based on the score and internal cut-off values, a variant classified as benign is not then subjected to further curation. The score for this variant resulted in a classification of benign for this disease.